The following is an entry in ClinVar:

ClinVar aggregate classification (germline): Pathogenic. Review status: criteria provided, multiple submitters, no conflicts (2 of 4 stars). 12 submissions from 12 submitters: Pathogenic (8). 4 of the submissions do not count toward it. Last evaluated 2025-10-02.

Conditions:
FANCG-related disorders.
FANCG-related disorder. Also called: FANCG-related condition.
Fanconi anemia (FA). Also called: Fanconi's anemia. Identifiers: Orphanet 84, MedGen C0015625, MeSH D005199, MONDO:0019391.
Fanconi anemia complementation group G. Also called: Fanconi anemia group G; FANCG-Related Fanconi Anemia. Identifiers: Orphanet 84, MedGen C3469527, MONDO:0013565, OMIM 614082.

Allele frequency attached by ClinVar (database versions not stated): ExAC 0.00002; gnomAD exomes 0.00002; TOPMed 0.00002; ESP Exome Variant Server 0.00015.
gnomAD v4.1: 44 of 1,614,030 alleles (0.0027%); highest among the groups gnomAD compares: Non-Finnish European, 0.0036%; no homozygotes.

Submissions (12):

Natera, Inc.
Classification: Pathogenic for Fanconi anemia group G. Last evaluated: 2025-10-02. Review status: criteria provided, single submitter. Criteria: Natera Variant Classification Schema (03/2026). Collection method: clinical testing. Allele origin: germline.
Comment: The c.1480+1G>C variant in FANCG is a canonical splice donor site variant predicted to affect pre-mRNA splicing, which may result in an abnormal transcript and altered protein product. This variant is expected to result in nonsense mediated decay, truncation, or a dysfunctional protein product. This variant is rare in the general population with a frequency below the threshold expected for the associated phenotype(s). This variant has been observed in one or more individuals affected with the associated recessive disease, as either homozygous or compound heterozygous with a second variant (PMID: 31839986). Given the available evidence, this variant is classified as Pathogenic.

Blueprint Genetics
Classification: Pathogenic for FANCG-related disorders. Last evaluated: 2024-08-29. Review status: criteria provided, single submitter. Criteria: ACMG Guidelines, 2015. Collection method: clinical testing. Allele origin: germline. Affected: yes. Observed: 5 variant alleles.

St. Jude Molecular Pathology, St. Jude Children's Research Hospital
Classification: Pathogenic for Fanconi anemia complementation group G. Last evaluated: 2024-07-31. Review status: criteria provided, single submitter. Criteria: St. Jude Assertion Criteria 2020. Collection method: clinical testing. Allele origin: germline.
Comment: The FANCG c.1480+1G>C intronic change results in a G to C substitution at the +1 position of intron 11 of the FANCG gene. RNA sequencing data indicates that this variant leads to the retention of the intron, which leads to the formation of a premature termination codon and subsequent nonsense-mediated decay (internal data). Variants that disrupt donor or acceptor splice sites generally result in a loss of protein function, and loss-of-function variants in FANCG are recognized as pathogenic (PMID: 12552564,16199547). This variant has been reported in the literature as homozygous and compound heterozygous in individuals affected with Fanconi Anemia (PMID: 9806548, 12552564, 21659346, 31839986). It has a maximum subpopulation frequency of 0.0044%% in gnomAD v2.1.1. In summary, this variant meets criteria to be classified as pathogenic.

Fulgent Genetics
Classification: Pathogenic for Fanconi anemia complementation group G. Last evaluated: 2024-06-04. Review status: criteria provided, single submitter. Criteria: ACMG Guidelines, 2015. Collection method: clinical testing. Allele origin: germline.

Baylor Genetics
Classification: Pathogenic for Fanconi anemia complementation group G. Last evaluated: 2024-03-14. Review status: criteria provided, single submitter. Criteria: ACMG Guidelines, 2015. Collection method: clinical testing. Allele origin: unknown.

Labcorp Genetics (formerly Invitae), Labcorp
Classification: Pathogenic for Fanconi anemia. Last evaluated: 2023-12-18. Review status: criteria provided, single submitter. Criteria: Invitae Variant Classification Sherloc (09022015). Collection method: clinical testing. Allele origin: germline.
Comment: This sequence change affects a donor splice site in intron 11 of the FANCG gene. It is expected to disrupt RNA splicing. Variants that disrupt the donor or acceptor splice site typically lead to a loss of protein function (PMID: 16199547), and loss-of-function variants in FANCG are known to be pathogenic (PMID: 12552564). This variant is present in population databases (rs149616199, gnomAD 0.004%). Disruption of this splice site has been observed in individual(s) with Fanconi anemia, complementation group G (PMID: 9806548, 12552564). In at least one individual the data is consistent with being in trans (on the opposite chromosome) from a pathogenic variant. This variant is also known as IVS11+1G>C. ClinVar contains an entry for this variant (Variation ID: 6717). Algorithms developed to predict the effect of sequence changes on RNA splicing suggest that this variant may disrupt the consensus splice site. For these reasons, this variant has been classified as Pathogenic.

Women's Health and Genetics/Laboratory Corporation of America, LabCorp
Classification: Pathogenic for Fanconi anemia. Last evaluated: 2023-02-02. Review status: criteria provided, single submitter. Criteria: LabCorp Variant Classification Summary - May 2015. Collection method: clinical testing. Allele origin: germline.
Comment: Variant summary: FANCG c.1480+1G>C is located in a canonical splice-site and is predicted to affect mRNA splicing resulting in a significantly altered protein due to either exon skipping, shortening, or inclusion of intronic material. Several computational tools predict a significant impact on normal splicing: Three predict the variant abolishes a 5' splicing donor site. However, these predictions have yet to be confirmed by functional studies. The variant allele was found at a frequency of 2e-05 in 251494 control chromosomes. c.1480+1G>C has been reported in the literature as a homozygous and compound heterozygous genotype in multiple individuals affected with Fanconi Anemia (Example: Tsangaris_2011, Lauhasurayotin_2019, Auerbach_2003, deWinter_1998) . These data indicate that the variant is very likely to be associated with disease. To our knowledge, no experimental evidence demonstrating an impact on protein function has been reported. Four clinical diagnostic laboratories have submitted clinical-significance assessments for this variant to ClinVar after 2014 without evidence for independent evaluation. All laboratories classified the variant as pathogenic. Based on the evidence outlined above, the variant was classified as pathogenic.

GeneDx
Classification: Pathogenic. Last evaluated: 2022-09-07. Review status: criteria provided, single submitter. Criteria: GeneDx Variant Classification Process June 2021. Collection method: clinical testing. Allele origin: germline. Affected: yes.
Comment: Canonical splice site variant predicted to result in a null allele in a gene for which loss of function is a known mechanism of disease; This variant is associated with the following publications: (PMID: 9806548, 22778927, 12031647, 21659346, 25236480, 28717661, 12552564, 11438206, 29625052, 26689913)

PreventionGenetics, part of Exact Sciences
Classification: Pathogenic for FANCG-related condition. Last evaluated: 2024-08-16. Review status: no assertion criteria provided. Collection method: clinical testing. Allele origin: germline. Not counted in ClinVar's aggregate classification.
Comment: The FANCG c.1480+1G>C variant is predicted to disrupt the GT donor site and interfere with normal splicing. This variant, also known as IVS11+1G>C, has been reported in several patients with Fanconi anemia and is a founder variant in the French Canadian population (de Winter et al. 1998. PubMed ID: 9806548; Auerbach et al. 2003. PubMed ID: 12552564; Gille et al. 2012. PubMed ID: 22778927). This variant is reported in 0.0044% of alleles in individuals of European (Non-Finnish) descent in gnomAD. Variants that disrupt the consensus splice donor site in FANCG are expected to be pathogenic. This variant is interpreted as pathogenic.

Leiden Open Variation Database
Classification: Pathogenic for Fanconi anemia complementation group G. Last evaluated: 2011-02-07. Review status: no assertion criteria provided. Collection method: curation. Allele origin: germline. Affected: yes. Not counted in ClinVar's aggregate classification.
Comment: Curator: Arleen D. Auerbach. Submitter to LOVD: Arleen D. Auerbach.

OMIM
Classification: Pathogenic for FANCONI ANEMIA, COMPLEMENTATION GROUP G. Last evaluated: 2003-02-01. Review status: no assertion criteria provided. Collection method: literature only. Allele origin: germline. Not counted in ClinVar's aggregate classification.

GeneReviews
No classification provided. Condition: Fanconi anemia complementation group G. Review status: no classification provided. Collection method: literature only. Allele origin: germline. Not counted in ClinVar's aggregate classification.
Comment: Common in French Canadians & northern Europeans

Literature cited by the submitters: PubMed 31839986 (cited by Natera, Inc. and Women's Health and Genetics/Laboratory Corporation of America, LabCorp); PubMed 16199547 (cited by Labcorp Genetics (formerly Invitae), Labcorp); PubMed 12552564 (cited by 5 submitters); PubMed 9806548 (cited by Labcorp Genetics (formerly Invitae), Labcorp and Women's Health and Genetics/Laboratory Corporation of America, LabCorp); PubMed 21659346 (cited by Women's Health and Genetics/Laboratory Corporation of America, LabCorp); PubMed 11093276 (cited by Women's Health and Genetics/Laboratory Corporation of America, LabCorp); PubMed 09806548 (cited by Leiden Open Variation Database); PubMed 11438206 (cited by Leiden Open Variation Database); PubMed 20301575 (cited by GeneReviews).

NM_004629.2(FANCG):c.1480+1G>C

Gene: FANCG (FA complementation group G; minus strand). Cytogenetic location: 9p13.3.
Variant type: single nucleotide variant.
Coding change: c.1480+1G>C on transcript NM_004629.2 (MANE Select); the canonical splice donor site of the intron after coding-DNA position 1480, G replaced by C.
Molecular consequence: splice donor variant.
Genome position (GRCh38, 1-based): chr9:35,075,278, C>G on the plus strand (G>C on the coding strand, the complement: FANCG is on the minus strand). VCF-style: chr9-35075278-C-G. GRCh37 (hg19) VCF-style: chr9-35075275-C-G.
Other names: IVS11+1G>C; IVS11DS, G-C, +1.
Identifiers: ClinVar variation 6717 (VCV000006717.31), dbSNP rs149616199, ClinGen allele CA340606.